The following is an entry in ClinVar:

NM_006979.3(SLC39A7):c.1114C>T (p.Gln372Ter)

Gene: SLC39A7 (solute carrier family 39 member 7; plus strand). Cytogenetic location: 6p21.32.
Variant type: single nucleotide variant.
Coding change: c.1114C>T on transcript NM_006979.3 (MANE Select); coding-DNA position 1114, C replaced by T.
Protein change: p.Gln372Ter; replaces glutamine 372 with a stop codon.
Molecular consequence: nonsense.
Genome position (GRCh38, 1-based): chr6:33,203,083, C>T. VCF-style: chr6-33203083-C-T. GRCh37 (hg19) VCF-style: chr6-33170860-C-T.
Other names: Q372*; c.1114C>T, p.Gln372Ter (NM_001077516.2); c.739C>T, p.Gln247Ter (NM_001288777.2); short protein forms Q247*.
Identifiers: ClinVar variation 1333091 (VCV001333091.2), dbSNP rs201790479, ClinGen allele CA3752420.

ClinVar aggregate classification (germline): Likely pathogenic. Review status: criteria provided, single submitter (1 of 4 stars). 2 submissions from 2 submitters: Likely pathogenic (1). 1 of the submissions does not count toward it. Last evaluated 2025-11-03.

Conditions:
Agammaglobulinemia 9, autosomal recessive (AGM9). Also called: AGAMMAGLOBULINEMIA, AUTOSOMAL RECESSIVE, DUE TO SLC39A7 DEFECT. Identifiers: Orphanet 693627, MedGen C5562059, MONDO:0030519, OMIM 619693.

Allele frequency attached by ClinVar (database versions not stated): gnomAD 0.00002; gnomAD exomes 0.00003 and 0.00006; TOPMed 0.00003; ESP Exome Variant Server 0.00012; ExAC 0.00002.
gnomAD v4.1: 85 of 1,594,890 alleles (0.0053%); highest among the groups gnomAD compares: Non-Finnish European, 0.0068%; no homozygotes.

Submissions (2):

Labcorp Genetics (formerly Invitae), Labcorp
Classification: Likely pathogenic. Last evaluated: 2025-11-03. Review status: criteria provided, single submitter. Criteria: Invitae Variant Classification Sherloc (09022015). Collection method: clinical testing. Allele origin: germline.
Comment: This sequence change creates a premature translational stop signal (p.Gln372*) in the SLC39A7 gene. While this is not anticipated to result in nonsense mediated decay, it is expected to disrupt the last 98 amino acid(s) of the SLC39A7 protein. This variant is present in population databases (rs201790479, gnomAD 0.007%). This premature translational stop signal has been observed in individual(s) with clinical features of agammaglobulinemia (PMID: 30718914; internal data). In at least one individual the data is consistent with being in trans (on the opposite chromosome) from a pathogenic variant. ClinVar contains an entry for this variant (Variation ID: 1333091). Experimental studies and prediction algorithms are not available or were not evaluated, and the functional significance of this variant is currently unknown. In summary, the currently available evidence indicates that the variant is pathogenic, but additional data are needed to prove that conclusively. Therefore, this variant has been classified as Likely Pathogenic.

OMIM
Classification: Pathogenic for AGAMMAGLOBULINEMIA 9, AUTOSOMAL RECESSIVE. Last evaluated: 2022-01-10. Review status: no assertion criteria provided. Collection method: literature only. Allele origin: germline. Not counted in ClinVar's aggregate classification.

Literature cited by the submitters: PubMed 30718914 (cited by Labcorp Genetics (formerly Invitae), Labcorp and OMIM).